The following is an entry in ClinVar:

ClinVar aggregate classification (germline): Uncertain significance (1 of 4 stars; one submission).

Submission:

Ambry Genetics
Classification: Uncertain significance. Last evaluated: 2026-08-27. Review status: criteria provided, single submitter. Criteria: Ambry Variant Classification Scheme 2023. Collection method: clinical testing. Allele origin: germline.
Comment: The p.S264R variant (also known as c.792T>G), located in coding exon 7 of the RAD51B gene, results from a T to G substitution at nucleotide position 792. The serine at codon 264 is replaced by arginine, an amino acid with dissimilar properties. This amino acid position is conserved. In addition, this alteration is predicted to be tolerated by in silico analysis. Based on the available evidence, the clinical significance of this variant remains unclear.

NM_133510.4(RAD51B):c.792T>G (p.Ser264Arg)

Gene: RAD51B (RAD51 paralog B; plus strand). Cytogenetic location: 14q24.1.
Variant type: single nucleotide variant.
Coding change: c.792T>G on transcript NM_133510.4 (MANE Select); coding-DNA position 792, T replaced by G.
Protein change: p.Ser264Arg; replaces serine 264 with arginine.
Molecular consequence: missense variant.
Genome position (GRCh38, 1-based): chr14:68,291,919, T>G. VCF-style: chr14-68291919-T-G. GRCh37 (hg19) VCF-style: chr14-68758636-T-G.
Other names: c.792T>G, p.Ser264Arg (NM_001321809.2, NM_001321810.2, NM_001321812.1 and 6 more transcripts); c.678T>G, p.Ser226Arg (NM_001321815.1); c.435T>G, p.Ser145Arg (NM_001321817.2); short protein forms S226R, S264R, S145R.
Identifiers: ClinVar variation 5027794 (VCV005027794.1).